The following is an entry in ClinVar:

ClinVar aggregate classification (germline): Benign (1 of 4 stars; one submission).

Submission:

Unidad de Genómica Garrahan, Hospital de Pediatría Garrahan
Classification: Benign. Last evaluated: 2024-01-24. Review status: criteria provided, single submitter. Criteria: ACMG Guidelines, 2015. Collection method: clinical testing. Allele origin: germline. Affected: no. Observed: 33 variant alleles.
Comment: This variant is classified as Benign based on local population frequency. This variant was detected in 35% of patients studied by a panel of primary immunodeficiencies. Number of patients: 33. Only high quality variants are reported.

NM_004946.3(DOCK2):c.128-84AAAAC[5]

Gene: DOCK2 (dedicator of cytokinesis 2; plus strand). Cytogenetic location: 5q35.1.
Variant type: Microsatellite.
Coding change: c.128-84AAAAC[5] on transcript NM_004946.3 (MANE Select); five copies in a row of the 5-base unit AAAAC starting at c.128-84.
Molecular consequence: intron variant.
Genome position: GRCh38 VCF-style: chr5-169669203-T-TAAAAC. GRCh37 (hg19) VCF-style: chr5-169096207-T-TAAAAC.
Identifiers: ClinVar variation 2688211 (VCV002688211.2), dbSNP rs71310047, ClinGen allele CA131997656.